The following is an entry in ClinVar:

NM_000256.3(MYBPC3):c.1017G>A (p.Gln339=)

Gene: MYBPC3 (myosin binding protein C3; minus strand). Cytogenetic location: 11p11.2.
Variant type: single nucleotide variant.
Coding change: c.1017G>A on transcript NM_000256.3 (MANE Select); coding-DNA position 1017, G replaced by A.
Protein change: p.Gln339=; no amino-acid change (glutamine 339 retained).
Molecular consequence: synonymous variant.
Genome position (GRCh38, 1-based): chr11:47,346,280, C>T on the plus strand (G>A on the coding strand, the complement: MYBPC3 is on the minus strand). VCF-style: chr11-47346280-C-T. GRCh37 (hg19) VCF-style: chr11-47367831-C-T.
Identifiers: ClinVar variation 2442864 (VCV002442864.3), dbSNP rs2095894010, ClinGen allele CA474220890.

ClinVar aggregate classification (germline): Conflicting classifications of pathogenicity. Review status: criteria provided, conflicting classifications (1 of 4 stars). 2 submissions from 2 submitters: Uncertain significance (1); Likely benign (1). Last evaluated 2023-06-26.

Conditions:
Cardiomyopathy (CMYO). Also called: Cardiomyopathies. Identifiers: Orphanet 167848, MedGen C0878544, MONDO:0004994, HP:0001638. Inheritance: Various modes of inheritance.
Hypertrophic cardiomyopathy. Also called: HYPERTROPHIC MYOCARDIOPATHY. Identifiers: Orphanet 217569, MedGen C0007194, MeSH D002312, MONDO:0005045, HP:0001639.

Allele frequency attached by ClinVar (database versions not stated): gnomAD exomes below 0.00001; TOPMed below 0.00001.

Submissions (2):

All of Us Research Program, National Institutes of Health
Classification: Likely benign for Hypertrophic cardiomyopathy. Last evaluated: 2023-06-26. Review status: criteria provided, single submitter. Criteria: ACMG Guidelines, 2015. Collection method: clinical testing. Allele origin: germline. Inheritance: Autosomal dominant inheritance. Observed: 1 variant allele, 1 heterozygote.
Comment: This study involves interpretation of variants in research participants for the purpose of population health screening. Participant phenotype was not available at the time of variant classification. Additional details can be found in publication PMID: 35346344, PMCID: PMC8962531

CHEO Genetics Diagnostic Laboratory, Children's Hospital of Eastern Ontario
Classification: Uncertain significance for Cardiomyopathy. Last evaluated: 2022-05-13. Review status: criteria provided, single submitter. Criteria: ACMG Guidelines, 2015. Collection method: clinical testing. Allele origin: germline.